The following is an entry in ClinVar:

NM_138459.5(NUS1):c.870T>G (p.Arg290=)

Gene: NUS1 (NUS1 dehydrodolichyl diphosphate synthase subunit; plus strand). Cytogenetic location: 6q22.1.
Variant type: single nucleotide variant.
Coding change: c.870T>G on transcript NM_138459.5 (MANE Select); coding-DNA position 870, T replaced by G.
Protein change: p.Arg290=; no amino-acid change (arginine 290 retained).
Molecular consequence: synonymous variant.
Genome position (GRCh38, 1-based): chr6:117,707,003, T>G. VCF-style: chr6-117707003-T-G. GRCh37 (hg19) VCF-style: chr6-118028166-T-G.
Identifiers: ClinVar variation 1627808 (VCV001627808.17), dbSNP rs529109392, ClinGen allele CA3977219.

ClinVar aggregate classification (germline): Likely benign. Review status: criteria provided, multiple submitters, no conflicts (2 of 4 stars). 3 submissions from 3 submitters: Likely benign (3). Last evaluated 2025-12-22.

Conditions:
Congenital disorder of glycosylation, type Iaa. Also called: Congenital disorder of glycosylation, type 1aa. Identifiers: MedGen C4310727, MONDO:0014904, OMIM 617082.

Allele frequency attached by ClinVar (database versions not stated): ExAC 0.00001; gnomAD exomes 0.00003; TOPMed 0.00003; gnomAD 0.00004 and 0.00005.
gnomAD v4.1: 55 of 1,612,248 alleles (0.0034%); highest among the groups gnomAD compares: Non-Finnish European, 0.0045%; no homozygotes.

Submissions (3):

Labcorp Genetics (formerly Invitae), Labcorp
Classification: Likely benign for Congenital disorder of glycosylation, type Iaa. Last evaluated: 2025-12-22. Review status: criteria provided, single submitter. Criteria: Invitae Variant Classification Sherloc (09022015). Collection method: clinical testing. Allele origin: germline.

CeGaT Center for Human Genetics Tuebingen
Classification: Likely benign. Last evaluated: 2025-07-01. Review status: criteria provided, single submitter. Criteria: CeGaT Center For Human Genetics Tuebingen Variant Classification Criteria Version 2. Collection method: clinical testing. Allele origin: germline. Affected: yes. Observed: 1 variant allele.
Comment: NUS1: BP4, BP7

Blueprint Genetics
Classification: Likely benign. Last evaluated: 2022-11-04. Review status: criteria provided, single submitter. Criteria: ACMG Guidelines, 2015. Collection method: clinical testing. Allele origin: germline.